The following is an entry in ClinVar:

NM_006767.4(LZTR1):c.651+2T>C

Gene: LZTR1 (leucine zipper like post translational regulator 1; plus strand). Cytogenetic location: 22q11.21.
Variant type: single nucleotide variant.
Coding change: c.651+2T>C on transcript NM_006767.4 (MANE Select); the canonical splice donor site of the intron after coding-DNA position 651, T replaced by C.
Molecular consequence: splice donor variant.
Genome position (GRCh38, 1-based): chr22:20,989,684, T>C. VCF-style: chr22-20989684-T-C. GRCh37 (hg19) VCF-style: chr22-21343973-T-C.
Other names: c.651+2T>C (NM_006767.3).
Identifiers: ClinVar variation 2884507 (VCV002884507.4), dbSNP rs1310952470, ClinGen allele CA410780400.
Genomic context (GRCh38, chr22:20,989,684, plus strand): 5'-GGTTGAATGACATGTGGACAATTGGCCTCCAGGACCGAGAGCTCACCTGCTGGGAGGAGG[T>C]GAGGGGCGTGGGGAGCCAGGGCGCAGGTAGAGGAGGTGAGGGGCACGGGGAGCCAGGGCG-3'

ClinVar aggregate classification (germline): Conflicting classifications of pathogenicity. Review status: criteria provided, conflicting classifications (1 of 4 stars). 2 submissions from 2 submitters: Likely pathogenic (1); Uncertain significance (1). Last evaluated 2026-09-01.

Conditions:
Cardiovascular phenotype. Identifiers: MedGen CN230736.
Hereditary cancer-predisposing syndrome. Also called: Hereditary Cancer Syndrome; Hereditary neoplastic syndrome; Neoplastic Syndromes, Hereditary; Tumor predisposition. Identifiers: Orphanet 140162, MedGen C0027672, MeSH D009386, MONDO:0015356.

Allele frequency attached by ClinVar (database versions not stated): gnomAD exomes below 0.00001; TOPMed below 0.00001.

Submissions (2):

Ambry Genetics
Classification: Uncertain significance for Cardiovascular phenotype; Hereditary cancer-predisposing syndrome. Last evaluated: 2026-09-01. Review status: criteria provided, single submitter. Criteria: Ambry Variant Classification Scheme 2023. Collection method: clinical testing. Allele origin: germline.
Comment: The c.651+2T>C intronic variant results from a T to C substitution two nucleotides after coding exon 7 in the LZTR1 gene. This nucleotide position is well conserved in available vertebrate species. In silico splice site analysis predicts that this alteration will weaken the native splice donor site and may result in the creation or strengthening of a novel splice donor site. Variants that disrupt the canonical splice site are expected to cause aberrant splicing, resulting in an abnormal protein or a transcript that is subject to nonsense-mediated mRNA decay; however, +2T>C variants are capable of generating wild-type transcripts in some genomic contexts and should be interpreted with caution (Lin JH et al. Hum Mutat. 2019 10;40:1856-1873). Based on the available evidence, the clinical significance of this variant remains unclear.

Labcorp Genetics (formerly Invitae), Labcorp
Classification: Likely pathogenic. Last evaluated: 2026-01-16. Review status: criteria provided, single submitter. Criteria: Invitae Variant Classification Sherloc (09022015). Collection method: clinical testing. Allele origin: germline.
Comment: This sequence change affects a donor splice site in intron 7 of the LZTR1 gene. It is expected to disrupt RNA splicing. Variants that disrupt the donor or acceptor splice site typically lead to a loss of protein function (PMID: 16199547), and loss-of-function variants in LZTR1 are known to be pathogenic (PMID: 24362817, 25335493, 25480913, 25795793, 29469822, 30368668, 30442762, 30442766, 30481304, 30859559). This variant is not present in population databases (gnomAD no frequency). This variant has not been reported in the literature in individuals affected with LZTR1-related conditions. ClinVar contains an entry for this variant (Variation ID: 2884507). Algorithms developed to predict the effect of sequence changes on RNA splicing suggest that this variant may disrupt the consensus splice site. In summary, the currently available evidence indicates that the variant is pathogenic, but additional data are needed to prove that conclusively. Therefore, this variant has been classified as Likely Pathogenic.

Literature cited by the submitters: PubMed 16199547 (cited by Labcorp Genetics (formerly Invitae), Labcorp); PubMed 24362817 (cited by Labcorp Genetics (formerly Invitae), Labcorp); PubMed 25335493 (cited by Labcorp Genetics (formerly Invitae), Labcorp); PubMed 25480913 (cited by Labcorp Genetics (formerly Invitae), Labcorp); PubMed 25795793 (cited by Labcorp Genetics (formerly Invitae), Labcorp); PubMed 29469822 (cited by Labcorp Genetics (formerly Invitae), Labcorp); PubMed 30368668 (cited by Labcorp Genetics (formerly Invitae), Labcorp); PubMed 30442762 (cited by Labcorp Genetics (formerly Invitae), Labcorp); PubMed 30442766 (cited by Labcorp Genetics (formerly Invitae), Labcorp); PubMed 30481304 (cited by Labcorp Genetics (formerly Invitae), Labcorp); PubMed 30859559 (cited by Labcorp Genetics (formerly Invitae), Labcorp).